The following is an entry in ClinVar:

NM_001378183.1(PIEZO2):c.5095A>G (p.Ile1699Val)

Gene: PIEZO2 (piezo type mechanosensitive ion channel component 2; minus strand). Cytogenetic location: 18p11.22.
Variant type: single nucleotide variant.
Coding change: c.5095A>G on transcript NM_001378183.1 (MANE Select); coding-DNA position 5095, A replaced by G.
Protein change: p.Ile1699Val; replaces isoleucine 1699 with valine.
Molecular consequence: missense variant.
Genome position (GRCh38, 1-based): chr18:10,715,811, T>C on the plus strand (A>G on the coding strand, the complement: PIEZO2 is on the minus strand). VCF-style: chr18-10715811-T-C. GRCh37 (hg19) VCF-style: chr18-10715809-T-C.
Other names: c.4921A>G, p.Ile1641Val (NM_022068.4); short protein forms I1641V, I1699V.
Identifiers: ClinVar variation 1219658 (VCV001219658.4), dbSNP rs760036064, ClinGen allele CA8892356.

ClinVar aggregate classification (germline): Uncertain significance. Review status: criteria provided, multiple submitters, no conflicts (2 of 4 stars). 2 submissions from 2 submitters: Uncertain significance (2). Last evaluated 2025-06-17.

Conditions:
Inborn genetic diseases. Identifiers: MedGen C0950123, MeSH D030342.

Allele frequency attached by ClinVar (database versions not stated): gnomAD 0.00003 and 0.00004; gnomAD exomes 0.00003 and 0.00007; TOPMed 0.00003; ExAC 0.00007.
gnomAD v4.1: 101 of 1,524,622 alleles (0.0066%); highest among the groups gnomAD compares: Non-Finnish European, 0.0082%; no homozygotes.

Submissions (2):

Ambry Genetics
Classification: Uncertain significance for Inborn genetic diseases. Last evaluated: 2025-06-17. Review status: criteria provided, single submitter. Criteria: Ambry Variant Classification Scheme 2023. Collection method: clinical testing. Allele origin: germline.

GeneDx
Classification: Uncertain significance. Last evaluated: 2020-09-10. Review status: criteria provided, single submitter. Criteria: GeneDx Variant Classification Process June 2021. Collection method: clinical testing. Allele origin: germline. Affected: yes.
Comment: In silico analysis supports that this missense variant does not alter protein structure/function; Has not been previously published as pathogenic or benign to our knowledge